The following is an entry in ClinVar:

ClinVar aggregate classification (germline): Uncertain significance (1 of 4 stars; one submission).

Conditions:
Fanconi anemia (FA). Also called: Fanconi's anemia. Identifiers: Orphanet 84, MedGen C0015625, MeSH D005199, MONDO:0019391.

Submission:

Labcorp Genetics (formerly Invitae), Labcorp
Classification: Uncertain significance for Fanconi anemia. Last evaluated: 2020-05-31. Review status: criteria provided, single submitter. Criteria: Invitae Variant Classification Sherloc (09022015). Collection method: clinical testing. Allele origin: germline.
Comment: This sequence change replaces proline with alanine at codon 1420 of the SLX4 protein (p.Pro1420Ala). The proline residue is highly conserved and there is a small physicochemical difference between proline and alanine. This variant is not present in population databases (ExAC no frequency). This variant has not been reported in the literature in individuals with SLX4-related conditions. Algorithms developed to predict the effect of missense changes on protein structure and function are either unavailable or do not agree on the potential impact of this missense change (SIFT: "Tolerated"; PolyPhen-2: "Possibly Damaging"; Align-GVGD: "Class C0"). In summary, the available evidence is currently insufficient to determine the role of this variant in disease. Therefore, it has been classified as a Variant of Uncertain Significance.

NM_032444.4(SLX4):c.4258C>G (p.Pro1420Ala)

Gene: SLX4 (SLX4 structure-specific endonuclease subunit; minus strand). Cytogenetic location: 16p13.3.
Variant type: single nucleotide variant.
Coding change: c.4258C>G on transcript NM_032444.4 (MANE Select); coding-DNA position 4258, C replaced by G.
Protein change: p.Pro1420Ala; replaces proline 1420 with alanine.
Molecular consequence: missense variant.
Genome position (GRCh38, 1-based): chr16:3,589,380, G>C on the plus strand (C>G on the coding strand, the complement: SLX4 is on the minus strand). VCF-style: chr16-3589380-G-C. GRCh37 (hg19) VCF-style: chr16-3639381-G-C.
Other names: short protein forms P1420A.
Identifiers: ClinVar variation 1056161 (VCV001056161.9), dbSNP rs2151121708, ClinGen allele CA394517919.